The following is an entry in ClinVar:

NM_020964.3(EPG5):c.1904G>A (p.Arg635His)

Gene: EPG5 (ectopic P-granules 5 autophagy tethering factor; minus strand). Cytogenetic location: 18q21.1.
Variant type: single nucleotide variant.
Coding change: c.1904G>A on transcript NM_020964.3 (MANE Select); coding-DNA position 1904, G replaced by A.
Protein change: p.Arg635His; replaces arginine 635 with histidine.
Molecular consequence: missense variant.
Genome position (GRCh38, 1-based): chr18:45,943,200, C>T on the plus strand (G>A on the coding strand, the complement: EPG5 is on the minus strand). VCF-style: chr18-45943200-C-T. GRCh37 (hg19) VCF-style: chr18-43523166-C-T.
Other names: short protein forms R635H.
Identifiers: ClinVar variation 1498278 (VCV001498278.6), dbSNP rs761134702, ClinGen allele CA8949578.

ClinVar aggregate classification (germline): Uncertain significance (1 of 4 stars; one submission).

Conditions:
Vici syndrome (VICIS). Identifiers: Orphanet 1493, MedGen C1855772, MONDO:0009452, OMIM 242840.

Allele frequency attached by ClinVar (database versions not stated): gnomAD 0.00001; gnomAD exomes 0.00001 and 0.00002; TOPMed 0.00001; ExAC 0.00002.

Submission:

Labcorp Genetics (formerly Invitae), Labcorp
Classification: Uncertain significance for Vici syndrome. Last evaluated: 2022-02-10. Review status: criteria provided, single submitter. Criteria: Invitae Variant Classification Sherloc (09022015). Collection method: clinical testing. Allele origin: germline.
Comment: This sequence change replaces arginine, which is basic and polar, with histidine, which is basic and polar, at codon 635 of the EPG5 protein (p.Arg635His). This variant is present in population databases (rs761134702, gnomAD 0.006%). This variant has not been reported in the literature in individuals affected with EPG5-related conditions. Algorithms developed to predict the effect of missense changes on protein structure and function are either unavailable or do not agree on the potential impact of this missense change (SIFT: "Tolerated"; PolyPhen-2: "Probably Damaging"; Align-GVGD: "Class C0"). In summary, the available evidence is currently insufficient to determine the role of this variant in disease. Therefore, it has been classified as a Variant of Uncertain Significance.